The following is an entry in ClinVar:

NM_002863.5(PYGL):c.275T>C (p.Met92Thr)

Gene: PYGL (glycogen phosphorylase L; minus strand). Cytogenetic location: 14q22.1.
Variant type: single nucleotide variant.
Coding change: c.275T>C on transcript NM_002863.5 (MANE Select); coding-DNA position 275, T replaced by C.
Protein change: p.Met92Thr; replaces methionine 92 with threonine.
Molecular consequence: missense variant. On other transcripts: intron variant (1).
Genome position (GRCh38, 1-based): chr14:50,937,806, A>G on the plus strand (T>C on the coding strand, the complement: PYGL is on the minus strand). VCF-style: chr14-50937806-A-G. GRCh37 (hg19) VCF-style: chr14-51404524-A-G.
Other names: c.244-2621T>C (NM_001163940.2); short protein forms M92T.
Identifiers: ClinVar variation 1052517 (VCV001052517.9), dbSNP rs767745350, ClinGen allele CA7183857.

ClinVar aggregate classification (germline): Uncertain significance (1 of 4 stars; one submission).

Conditions:
Glycogen storage disease, type VI (GSD6). Also called: Glycogen storage disease type 6; Hepatic glycogen phosphorylase deficiency; HERS DISEASE; PHOSPHORYLASE DEFICIENCY GLYCOGEN-STORAGE DISEASE OF LIVER; Glycogen storage disease type 6, due to phosphorylation; GSD VI. Identifiers: Orphanet 369, MedGen C0017925, MONDO:0009294, OMIM 232700.

Allele frequency attached by ClinVar (database versions not stated): ExAC 0.00001; gnomAD 0.00001.
gnomAD v4.1: 4 of 1,613,960 alleles (0.00025%); highest among the groups gnomAD compares: African/African-American, 0.004%; no homozygotes.

Submission:

Labcorp Genetics (formerly Invitae), Labcorp
Classification: Uncertain significance for Glycogen storage disease, type VI. Last evaluated: 2020-06-16. Review status: criteria provided, single submitter. Criteria: Invitae Variant Classification Sherloc (09022015). Collection method: clinical testing. Allele origin: germline.
Comment: This sequence change replaces methionine with threonine at codon 92 of the PYGL protein (p.Met92Thr). The methionine residue is highly conserved and there is a moderate physicochemical difference between methionine and threonine. This variant is present in population databases (rs767745350, ExAC 0.01%). This variant has not been reported in the literature in individuals with PYGL-related conditions. Algorithms developed to predict the effect of missense changes on protein structure and function are either unavailable or do not agree on the potential impact of this missense change (SIFT: "Deleterious"; PolyPhen-2: "Benign"; Align-GVGD: "Class C65"). In summary, the available evidence is currently insufficient to determine the role of this variant in disease. Therefore, it has been classified as a Variant of Uncertain Significance.